The following is an entry in ClinVar:

NM_001378615.1(CC2D2A):c.4773del (p.Glu1592fs)

Genes: CC2D2A (coiled-coil and C2 domain containing 2A; plus strand), FBXL5 (F-box and leucine rich repeat protein 5; minus strand). Cytogenetic location: 4p15.32.
Variant type: Deletion.
Coding change: c.4773del on transcript NM_001378615.1 (MANE Select); coding-DNA position 4773, one base deleted (T; older notation c.4773delT).
Protein change: p.Glu1592fs; shifts the reading frame from glutamic acid 1592.
Molecular consequence: frameshift variant.
Genome position (GRCh38, 1-based): chr4:15,601,335, T deleted; the last of 2 consecutive T bases (chr4:15,601,334-15,601,335); deleting either gives the same sequence. VCF-style (leftmost placement, unchanged base first): chr4-15601333-GT-G. GRCh37 (hg19) VCF-style: chr4-15602956-GT-G.
Other names: c.4773del, p.Glu1592fs (NM_001080522.2); c.4626del, p.Glu1543fs (NM_001378617.1); short protein forms E1543fs, E1592fs.
Identifiers: ClinVar variation 3775678 (VCV003775678.1).
Genomic context (GRCh38, chr4:15,601,333, plus strand): 5'-GTGAAGCCTTTAATTGACGCTGTGTATAGTACTGGAGTACATAATATTGATGTTCCTAAT[GT>G]TGAATTTGCTTTAGCTGTATACATACACCCATACCCCAAAAATGTTTTGTCTGTTTGGAT-3'

ClinVar aggregate classification (germline): Uncertain significance (1 of 4 stars; one submission).

Conditions:
Joubert syndrome 9 (JBTS9). Identifiers: Orphanet 2318, MedGen C2676788, MONDO:0012849, OMIM 612285.

Submission:

3billion
Classification: Uncertain significance for Joubert syndrome 9. Last evaluated: 2023-08-21. Review status: criteria provided, single submitter. Criteria: ACMG Guidelines, 2015. Collection method: clinical testing. Allele origin: germline. Affected: yes.
Comment: The variant is not observed in the gnomAD v2.1.1 dataset. Predicted Consequence/Location: Frameshift: predicted to result in a loss or disruption of normal protein function through protein truncation. The predicted truncated protein may be shortened by less than 10%. Therefore, this variant is classified as VUS according to the recommendation of ACMG/AMP guideline.